The following is an entry in ClinVar:

ClinVar aggregate classification (germline): Likely pathogenic (1 of 4 stars; one submission).

Conditions:
Hypophosphatemic rickets. Identifiers: MedGen C1704375, MeSH D063730, MONDO:0024300, HP:0004912.

Submission:

Laboratory of Cyto-molecular Genetics, Department of Anatomy, All India Institute of Medical Sciences (AIIMS), New Delhi
Classification: Likely pathogenic for Hypophosphatemic rickets. Last evaluated: 2022-02-07. Review status: criteria provided, single submitter. Criteria: ACMG Guidelines, 2015. Collection method: clinical testing. Allele origin: germline. Affected: yes. Observed: 2 variant alleles.
Comment: p.(Leu683His); missense variant

Literature cited by the submitters: PubMed 35738466.

NM_000444.6(PHEX):c.2048T>A (p.Leu683His)

Genes: PHEX (phosphate regulating endopeptidase X-linked; plus strand), PTCHD1-AS (PTCHD1 and PHEX antisense RNA; minus strand). Cytogenetic location: Xp22.11.
Variant type: single nucleotide variant.
Coding change: c.2048T>A on transcript NM_000444.6 (MANE Select); coding-DNA position 2048, T replaced by A.
Protein change: p.Leu683His; replaces leucine 683 with histidine.
Molecular consequence: missense variant. On other transcripts: non-coding transcript variant (1).
Genome position (GRCh38, 1-based): chrX:22,227,589, T>A. VCF-style: chrX-22227589-T-A. GRCh37 (hg19) VCF-style: chrX-22245706-T-A.
Other names: c.2048T>A, p.Leu683His (NM_001282754.2); short protein forms L683H.
Identifiers: ClinVar variation 1339446 (VCV001339446.3), dbSNP rs2147184796, ClinGen allele CA412574464.
Genomic context (GRCh38, chrX:22,227,589, plus strand): 5'-ACAGAAGGCAGGGACTTGAGGAGCCTCTTCTACCAGGCATCACATTCACCAACAACCAGC[T>A]CTTCTTCCTGAGTTATGCTCATGTGAGTAGACTGAGGAAGGGGCATCAGGGATGAGATGC-3'
Protein context (NP_000435.3, residues 673-693): LPGITFTNNQ[Leu683His]FFLSYAHVRC